The following is an entry in ClinVar:

ClinVar aggregate classification (germline): Uncertain significance (1 of 4 stars; one submission).

Allele frequency attached by ClinVar (database versions not stated): gnomAD 0.00001; ExAC 0.00002; gnomAD exomes 0.00002; TOPMed 0.00002.

Submission:

Labcorp Genetics (formerly Invitae), Labcorp
Classification: Uncertain significance. Last evaluated: 2022-01-12. Review status: criteria provided, single submitter. Criteria: Invitae Variant Classification Sherloc (09022015). Collection method: clinical testing. Allele origin: germline.
Comment: This sequence change replaces arginine, which is basic and polar, with glutamine, which is neutral and polar, at codon 19 of the PAX4 protein (p.Arg19Gln). This variant is present in population databases (rs770477634, gnomAD 0.003%). This missense change has been observed in individual(s) with clinical features of PAX4-related conditions (PMID: 30191644). Algorithms developed to predict the effect of missense changes on protein structure and function are either unavailable or do not agree on the potential impact of this missense change (SIFT: "Deleterious"; PolyPhen-2: "Probably Damaging"; Align-GVGD: "Class C0"). Algorithms developed to predict the effect of sequence changes on RNA splicing suggest that this variant may create or strengthen a splice site. In summary, the available evidence is currently insufficient to determine the role of this variant in disease. Therefore, it has been classified as a Variant of Uncertain Significance.

Literature cited by the submitters: PubMed 30191644.

NM_001366110.1(PAX4):c.80G>A (p.Arg27Gln)

Gene: PAX4 (paired box 4; minus strand). Cytogenetic location: 7q32.1.
Variant type: single nucleotide variant.
Coding change: c.80G>A on transcript NM_001366110.1 (MANE Select); coding-DNA position 80, G replaced by A.
Protein change: p.Arg27Gln; replaces arginine 27 with glutamine.
Molecular consequence: missense variant.
Genome position (GRCh38, 1-based): chr7:127,615,465, C>T on the plus strand (G>A on the coding strand, the complement: PAX4 is on the minus strand). VCF-style: chr7-127615465-C-T. GRCh37 (hg19) VCF-style: chr7-127255519-C-T.
Other names: c.80G>A, p.Arg27Gln (NM_001366111.1); short protein forms R27Q.
Identifiers: ClinVar variation 1425526 (VCV001425526.6), dbSNP rs770477634, ClinGen allele CA4468237.